The following is an entry in ClinVar:

ClinVar aggregate classification (germline): Uncertain significance (1 of 4 stars; one submission).

Conditions:
RASopathy. Also called: rasopathies; Noonan spectrum disorder. Identifiers: Orphanet 536391, MedGen C5555857, MONDO:0021060.

Submission:

Labcorp Genetics (formerly Invitae), Labcorp
Classification: Uncertain significance for RASopathy. Last evaluated: 2023-03-22. Review status: criteria provided, single submitter. Criteria: Invitae Variant Classification Sherloc (09022015). Collection method: clinical testing. Allele origin: germline.
Comment: This sequence change replaces glycine, which is neutral and non-polar, with serine, which is neutral and polar, at codon 13 of the CBL protein (p.Gly13Ser). In summary, the available evidence is currently insufficient to determine the role of this variant in disease. Therefore, it has been classified as a Variant of Uncertain Significance. Advanced modeling of protein sequence and biophysical properties (such as structural, functional, and spatial information, amino acid conservation, physicochemical variation, residue mobility, and thermodynamic stability) performed at Invitae indicates that this missense variant is not expected to disrupt CBL protein function. This variant has not been reported in the literature in individuals affected with CBL-related conditions. This variant is not present in population databases (gnomAD no frequency).

NM_005188.4(CBL):c.37G>A (p.Gly13Ser)

Genes: CBL (Cbl proto-oncogene; plus strand), LOC130006895 (ATAC-STARR-seq lymphoblastoid silent region 3975; plus strand). Cytogenetic location: 11q23.3.
Variant type: single nucleotide variant.
Coding change: c.37G>A on transcript NM_005188.4 (MANE Select); coding-DNA position 37, G replaced by A.
Protein change: p.Gly13Ser; replaces glycine 13 with serine.
Molecular consequence: missense variant.
Genome position (GRCh38, 1-based): chr11:119,206,454, G>A. VCF-style: chr11-119206454-G-A. GRCh37 (hg19) VCF-style: chr11-119077164-G-A.
Other names: short protein forms G13S.
Identifiers: ClinVar variation 2805478 (VCV002805478.3), dbSNP rs2496819155, ClinGen allele CA382975743.
Genomic context (GRCh38, chr11:119,206,454, plus strand): 5'-CTGGGCTCCGACCCTGCCCAGGCCATGGCCGGCAACGTGAAGAAGAGCTCTGGGGCCGGG[G>A]GCGGCAGCGGCTCCGGGGGCTCGGGTTCGGGTGGCCTGATTGGGCTCATGAAGGACGCCT-3'
Protein context (NP_005179.2, residues 3-23): GNVKKSSGAG[Gly13Ser]GSGSGGSGSG